The following is an entry in ClinVar:

NM_007294.4(BRCA1):c.2217dup (p.Val740fs)

Gene: BRCA1 (BRCA1 DNA repair associated; minus strand). Cytogenetic location: 17q21.31.
Variant type: Duplication.
Coding change: c.2217dup on transcript NM_007294.4 (MANE Select); coding-DNA position 2217, one base duplicated (A; older notation c.2217dupA).
Protein change: p.Val740fs; shifts the reading frame from valine 740.
Molecular consequence: frameshift variant. On other transcripts: intron variant (137).
Genome position (GRCh38, 1-based): chr17:43,093,314, T duplicated on the plus strand (A on the coding strand, the reverse complement: BRCA1 is on the minus strand); the first of 3 consecutive T bases (chr17:43,093,314-43,093,316); duplicating any one gives the same sequence. VCF-style (leftmost placement, unchanged base first): chr17-43093313-C-CT. GRCh37 (hg19) VCF-style: chr17-41245330-C-CT.
Other names: 2336insA; c.2217dupA (NM_007294.3); c.2004dup, p.Val669fs (NM_001407571.1, NM_001407853.1, NM_001407894.1 and 9 more transcripts); c.2217dup, p.Val740fs (NM_001407581.1, NM_001407582.1, NM_001407583.1 and 30 more transcripts); c.2214dup, p.Val739fs (NM_001407587.1, NM_001407590.1, NM_001407591.1 and 22 more transcripts); c.2208dup, p.Val737fs (NM_001407646.1, NM_001407647.1); c.2094dup, p.Val699fs (NM_001407648.1, NM_001407664.1, NM_001407665.1 and 19 more transcripts); c.2091dup, p.Val698fs (NM_001407649.1, NM_001407670.1, NM_001407671.1 and 11 more transcripts); and 43 more; short protein forms V740fs, V693fs, V444fs, V651fs, V669fs, V673fs, V713fs, V737fs.
Identifiers: ClinVar variation 125548 (VCV000125548.21), dbSNP rs80357802, ClinGen allele CA001487.
Genomic context (GRCh38, chr17:43,093,313, plus strand): 5'-TTTGCAAAACCCTTTCTCCACTTAACATGAGATCTTTGGGGTCTTCAGCATTATTAGACA[C>CT]TTTAACTGTTTCTAGTTTCTCTTCTTTTTCTTCTCTTGGAAGGCTAGGATTGACAAATTC-3'

ClinVar aggregate classification (germline): Pathogenic. Review status: reviewed by expert panel (3 of 4 stars). 11 submissions from 11 submitters: Pathogenic (1). 10 of the submissions do not count toward it. Last evaluated 2016-09-08.

Conditions:
Inherited breast cancer and ovarian cancer.
Hereditary cancer-predisposing syndrome. Also called: Tumor predisposition; Hereditary neoplastic syndrome; Hereditary Cancer Syndrome; Neoplastic Syndromes, Hereditary. Identifiers: Orphanet 140162, MedGen C0027672, MeSH D009386, MONDO:0015356.
Hereditary breast ovarian cancer syndrome. Also called: Hereditary breast and/or ovarian cancer syndrome; Breast and ovarian cancer; Hereditary breast and ovarian cancer syndrome; Hereditary breast and ovarian cancer; Hereditary breast and ovarian cancer syndrome (HBOC); BRCA1- and BRCA2-Associated Hereditary Breast and Ovarian Cancer. Identifiers: Orphanet 145, MedGen C0677776, MeSH D061325, MONDO:0003582. Disease mechanism: loss of function.
Breast-ovarian cancer, familial, susceptibility to, 1 (BROVCA1). Also called: BRCA1 Hereditary Breast and Ovarian Cancer; OVARIAN CANCER, SUSCEPTIBILITY TO. Identifiers: Orphanet 145, MedGen C2676676, MONDO:0011450, OMIM 604370. Disease mechanism: loss of function.

Submissions (11):

Evidence-based Network for the Interpretation of Germline Mutant Alleles (ENIGMA)
Classification: Pathogenic for Breast-ovarian cancer, familial, susceptibility to, 1. Last evaluated: 2016-09-08. Review status: reviewed by expert panel. Criteria: ENIGMA BRCA1/2 Classification Criteria (2015). Collection method: curation. Allele origin: germline.
Comment: Variant allele predicted to encode a truncated non-functional protein.

Labcorp Genetics (formerly Invitae), Labcorp
Classification: Pathogenic for Hereditary breast ovarian cancer syndrome. Last evaluated: 2024-09-12. Review status: criteria provided, single submitter. Criteria: Invitae Variant Classification Sherloc (09022015). Collection method: clinical testing. Allele origin: germline. Not counted in ClinVar's aggregate classification.
Comment: This sequence change creates a premature translational stop signal (p.Val740Serfs*3) in the BRCA1 gene. It is expected to result in an absent or disrupted protein product. Loss-of-function variants in BRCA1 are known to be pathogenic (PMID: 20104584). This variant is not present in population databases (gnomAD no frequency). This premature translational stop signal has been observed in individual(s) with breast cancer (PMID: 29446198, 29907814, 30159786). ClinVar contains an entry for this variant (Variation ID: 125548). For these reasons, this variant has been classified as Pathogenic.

Genomics and Molecular Medicine Service, East Genomic Laboratory Hub, NHS Genomic Medicine Service
Classification: Pathogenic for Inherited breast cancer and ovarian cancer. Last evaluated: 2024-08-15. Review status: criteria provided, single submitter. Criteria: ACGS Best Practice Guidelines for Variant Classification in Rare Disease 2020. Collection method: clinical testing. Allele origin: germline. Affected: yes. Not counted in ClinVar's aggregate classification.
Comment: PVS1,PM2,PM5_Strong

Mayo Clinic Laboratories, Mayo Clinic
Classification: Pathogenic. Last evaluated: 2023-08-29. Review status: criteria provided, single submitter. Criteria: ACMG Guidelines, 2015. Collection method: clinical testing. Allele origin: germline. Observed: 1 variant allele. Not counted in ClinVar's aggregate classification.
Comment: PP5, PM2, PM5_strong, PVS1

Ambry Genetics
Classification: Pathogenic for Hereditary cancer-predisposing syndrome. Last evaluated: 2023-05-16. Review status: criteria provided, single submitter. Criteria: Ambry Variant Classification Scheme 2023. Collection method: clinical testing. Allele origin: germline. Not counted in ClinVar's aggregate classification.
Comment: The c.2217dupA pathogenic mutation, located in coding exon 9 of the BRCA1 gene, results from a duplication of A at nucleotide position 2217, causing a translational frameshift with a predicted alternate stop codon (p.V740Sfs*3). This variant has been reported in several breast and/or ovarian cancer cohorts of multiple ethnicities (Rebbeck TR et al. Hum Mutat, 2018 May;39:593-620; Palmero EI et al. Sci Rep, 2018 Jun;8:9188; Momozawa Y et al. Nat Commun, 2018 Oct;9:4083; de Souza Timoteo AR et al. Breast Cancer Res Treat, 2018 Dec;172:637-646; De Talhouet S et al. Sci Rep, 2020 Apr;10:7073; Nguyen-Dumont T et al. Genet Res (Camb), 2020 Aug;102:e6; Ji G et al. Ann Transl Med, 2021 Mar;9:453; Dorling et al. N Engl J Med 2021 02;384:428-439; Guindalini RSC et al. Sci Rep, 2022 Mar;12:4190). This variant is considered to be rare based on population cohorts in the Genome Aggregation Database (gnomAD). In addition to the clinical data presented in the literature, this alteration is expected to result in loss of function by premature protein truncation or nonsense-mediated mRNA decay. As such, this alteration is interpreted as a disease-causing mutation.

Women's Health and Genetics/Laboratory Corporation of America, LabCorp
Classification: Pathogenic for Hereditary breast ovarian cancer syndrome. Last evaluated: 2022-10-17. Review status: criteria provided, single submitter. Criteria: LabCorp Variant Classification Summary - May 2015. Collection method: clinical testing. Allele origin: germline. Not counted in ClinVar's aggregate classification.
Comment: Variant summary: BRCA1 c.2217dupA (p.Val740SerfsX3) results in a premature termination codon, predicted to cause a truncation of the encoded protein or absence of the protein due to nonsense mediated decay, which are commonly known mechanisms for disease. Truncations downstream of this position have been classified as pathogenic by our laboratory. The variant was absent in 250964 control chromosomes (gnomAD). c.2217dupA has been reported in the literature in multiple individuals affected with breast/ovarian cancer, including those with a positive family history (e.g. Rebbeck_2018, Palmero_2018, Nguyen-Dumont_2020). These data indicate that the variant is very likely to be associated with disease. To our knowledge, no experimental evidence demonstrating an impact on protein function has been reported. Six submitters, including an expert panel (ENIGMA), have provided assessments for this variant to ClinVar after 2014. All classified the variant as pathogenic. Based on the evidence outlined above, the variant was classified as pathogenic.

Color Diagnostics, LLC DBA Color Health
Classification: Pathogenic for Hereditary cancer-predisposing syndrome. Last evaluated: 2019-10-18. Review status: criteria provided, single submitter. Criteria: ACMG Guidelines, 2015. Collection method: clinical testing. Allele origin: germline. Not counted in ClinVar's aggregate classification.
Comment: This variant (also known as 2336insA by the BIC nomenclature) inserts 1 nucleotide in exon 10 of the BRCA1 gene, creating a frameshift and premature translation stop signal. This variant is expected to result in an absent or non-functional protein product. Splice site prediction tools suggest that this variant may not impact RNA splicing. To our knowledge, functional studies have not been performed for this variant. This variant has been reported in individuals affected with breast cancer (PMID: 29446198, 30159786). This variant has not been identified in the general population by the Genome Aggregation Database (gnomAD). Loss of BRCA1 function is a known mechanism of disease. Based on the available evidence, this variant is classified as Pathogenic.

Mendelics
Classification: Pathogenic for Hereditary breast and ovarian cancer syndrome. Last evaluated: 2018-07-02. Review status: criteria provided, single submitter. Criteria: Mendelics Assertion Criteria 2017. Collection method: clinical testing. Allele origin: unknown. Not counted in ClinVar's aggregate classification.

Quest Diagnostics Nichols Institute San Juan Capistrano
Classification: Pathogenic for Breast-ovarian cancer, familial, susceptibility to, 1. Last evaluated: 2016-01-27. Review status: criteria provided, single submitter. Criteria: Quest Diagnostics criteria. Collection method: clinical testing. Allele origin: germline. Inheritance: Autosomal dominant inheritance. Not counted in ClinVar's aggregate classification.

Consortium of Investigators of Modifiers of BRCA1/2 (CIMBA), c/o University of Cambridge
Classification: Pathogenic for Breast-ovarian cancer, familial, susceptibility to, 1. Last evaluated: 2015-10-02. Review status: criteria provided, single submitter. Criteria: CIMBA Mutation Classification guidelines May 2016. Collection method: clinical testing. Allele origin: germline. Not counted in ClinVar's aggregate classification.

Breast Cancer Information Core (BIC) (BRCA1)
Classification: Pathogenic for Breast-ovarian cancer, familial 1. Last evaluated: 2004-02-20. Review status: no assertion criteria provided. Collection method: clinical testing. Allele origin: germline. Affected: yes. Observed: 1 variant allele. Not counted in ClinVar's aggregate classification.

Literature cited by the submitters: PubMed 20104584 (cited by Labcorp Genetics (formerly Invitae), Labcorp); PubMed 29446198 (cited by 4 submitters); PubMed 29907814 (cited by 4 submitters); PubMed 30159786 (cited by 3 submitters); PubMed 30287823 (cited by Mayo Clinic Laboratories, Mayo Clinic and Ambry Genetics); PubMed 32341426 (cited by Mayo Clinic Laboratories, Mayo Clinic and Ambry Genetics); PubMed 32772980 (cited by 3 submitters); PubMed 33850850 (cited by Mayo Clinic Laboratories, Mayo Clinic and Ambry Genetics); PubMed 35264596 (cited by Mayo Clinic Laboratories, Mayo Clinic and Ambry Genetics); PubMed 33471991 (cited by Ambry Genetics); PubMed 26295337 (cited by Quest Diagnostics Nichols Institute San Juan Capistrano).